The following is an entry in ClinVar:

NM_007315.4(STAT1):c.851A>G (p.Glu284Gly)

Gene: STAT1 (signal transducer and activator of transcription 1; minus strand). Cytogenetic location: 2q32.2.
Variant type: single nucleotide variant.
Coding change: c.851A>G on transcript NM_007315.4 (MANE Select); coding-DNA position 851, A replaced by G.
Protein change: p.Glu284Gly; replaces glutamic acid 284 with glycine.
Molecular consequence: missense variant. On other transcripts: intron variant (1).
Genome position (GRCh38, 1-based): chr2:190,995,154, T>C on the plus strand (A>G on the coding strand, the complement: STAT1 is on the minus strand). VCF-style: chr2-190995154-T-C. GRCh37 (hg19) VCF-style: chr2-191859880-T-C.
Other names: c.851A>G, p.Glu284Gly (NM_001384880.1, NM_001384882.1, NM_001384886.1 and 4 more transcripts); c.857A>G, p.Glu286Gly (NM_001384881.1, NM_001384884.1); c.752A>G, p.Glu251Gly (NM_001384883.1); c.761A>G, p.Glu254Gly (NM_001384890.1); c.887A>G, p.Glu296Gly (NM_001384891.1); c.785+2702A>G (NM_001384885.1); short protein forms E284G, E251G, E254G, E286G, E296G.
Identifiers: ClinVar variation 965491 (VCV000965491.9), dbSNP rs1693752801, ClinGen allele CA349921895.

ClinVar aggregate classification (germline): Likely pathogenic (1 of 4 stars; one submission).

Conditions:
Autoimmune enteropathy and endocrinopathy - susceptibility to chronic infections syndrome. Also called: Immunodeficiency 31C; Immunodeficiency 31C, autosomal dominant. Identifiers: Orphanet 391487, MedGen C3279990, MONDO:0013599, OMIM 614162.
Immunodeficiency 31B. Also called: STAT1 DEFICIENCY, AUTOSOMAL RECESSIVE; IMMUNODEFICIENCY 31B, MYCOBACTERIAL AND VIRAL INFECTIONS, AUTOSOMAL RECESSIVE. Identifiers: Orphanet 391311, MedGen C3151088, MONDO:0013427, OMIM 613796.
Mendelian susceptibility to mycobacterial diseases due to partial STAT1 deficiency. Also called: IMMUNODEFICIENCY 31A, MYCOBACTERIOSIS, AUTOSOMAL DOMINANT; STAT1 DEFICIENCY, AUTOSOMAL DOMINANT; Immunodeficiency 31a. Identifiers: Orphanet 319595, MedGen C4013950, MONDO:0013956, OMIM 614892.

Submission:

Labcorp Genetics (formerly Invitae), Labcorp
Classification: Likely pathogenic for Mendelian susceptibility to mycobacterial diseases due to partial STAT1 deficiency; Immunodeficiency 31B; Autoimmune enteropathy and endocrinopathy - susceptibility to chronic infections syndrome. Last evaluated: 2019-10-30. Review status: criteria provided, single submitter. Criteria: Invitae Variant Classification Sherloc (09022015). Collection method: clinical testing. Allele origin: germline.
Comment: This sequence change replaces glutamic acid with glycine at codon 284 of the STAT1 protein (p.Glu284Gly). The glutamic acid residue is highly conserved and there is a moderate physicochemical difference between glutamic acid and glycine. In summary, the currently available evidence indicates that the variant is pathogenic, but additional data are needed to prove that conclusively. Therefore, this variant has been classified as Likely Pathogenic. Algorithms developed to predict the effect of missense changes on protein structure and function (SIFT, PolyPhen-2, Align-GVGD) all suggest that this variant is likely to be tolerated, but these predictions have not been confirmed by published functional studies and their clinical significance is uncertain. This variant has been observed in individual(s) with clinical features of STAT1-related chronic mucocutaneous candidiasis (Invitae). In at least one individual the variant was observed to be de novo. This variant is not present in population databases (ExAC no frequency).